The following is an entry in ClinVar:

ClinVar aggregate classification (germline): Uncertain significance. Review status: criteria provided, multiple submitters, no conflicts (2 of 4 stars). 2 submissions from 2 submitters: Uncertain significance (2). Last evaluated 2025-05-02.

Conditions:
Hereditary cancer-predisposing syndrome. Also called: Tumor predisposition; Hereditary Cancer Syndrome; Hereditary neoplastic syndrome; Neoplastic Syndromes, Hereditary. Identifiers: Orphanet 140162, MedGen C0027672, MeSH D009386, MONDO:0015356.
Neurofibromatosis, type 2 (SWNV). Also called: BILATERAL ACOUSTIC NEUROFIBROMATOSIS; SCHWANNOMATOSIS, VESTIBULAR; NF2-Related Schwannomatosis. Identifiers: Orphanet 637, MedGen C0027832, MONDO:0007039, OMIM 101000. Disease mechanism: loss of function.

gnomAD v4.1: 1 of 1,611,904 alleles (0.000062%); highest among the groups gnomAD compares: Non-Finnish European, 0.000085%; no homozygotes.

Submissions (2):

Ambry Genetics
Classification: Uncertain significance for Hereditary cancer-predisposing syndrome. Last evaluated: 2025-05-02. Review status: criteria provided, single submitter. Criteria: Ambry Variant Classification Scheme 2023. Collection method: clinical testing. Allele origin: germline.
Comment: The p.V435M variant (also known as c.1303G>A), located in coding exon 12 of the NF2 gene, results from a G to A substitution at nucleotide position 1303. The valine at codon 435 is replaced by methionine, an amino acid with highly similar properties. This amino acid position is not well conserved in available vertebrate species. In addition, this alteration is predicted to be tolerated by in silico analysis. Since supporting evidence is limited at this time, the clinical significance of this alteration remains unclear.

Labcorp Genetics (formerly Invitae), Labcorp
Classification: Uncertain significance for Neurofibromatosis, type 2. Last evaluated: 2023-07-25. Review status: criteria provided, single submitter. Criteria: Invitae Variant Classification Sherloc (09022015). Collection method: clinical testing. Allele origin: germline.
Comment: This sequence change replaces valine, which is neutral and non-polar, with methionine, which is neutral and non-polar, at codon 435 of the NF2 protein (p.Val435Met). This variant is not present in population databases (gnomAD no frequency). This variant has not been reported in the literature in individuals affected with NF2-related conditions. ClinVar contains an entry for this variant (Variation ID: 818855). Advanced modeling of protein sequence and biophysical properties (such as structural, functional, and spatial information, amino acid conservation, physicochemical variation, residue mobility, and thermodynamic stability) performed at Invitae indicates that this missense variant is not expected to disrupt NF2 protein function. In summary, the available evidence is currently insufficient to determine the role of this variant in disease. Therefore, it has been classified as a Variant of Uncertain Significance.

Literature cited by the submitters: PubMed 19234911 (cited by Ambry Genetics).

NM_000268.4(NF2):c.1303G>A (p.Val435Met)

Gene: NF2 (NF2, moesin-ezrin-radixin like (MERLIN) tumor suppressor; plus strand). Cytogenetic location: 22q12.2.
Variant type: single nucleotide variant.
Coding change: c.1303G>A on transcript NM_000268.4 (MANE Select); coding-DNA position 1303, G replaced by A.
Protein change: p.Val435Met; replaces valine 435 with methionine.
Molecular consequence: missense variant. On other transcripts: non-coding transcript variant (1), intron variant (1).
Genome position (GRCh38, 1-based): chr22:29,673,449, G>A. VCF-style: chr22-29673449-G-A. GRCh37 (hg19) VCF-style: chr22-30069438-G-A.
Other names: c.1303G>A, p.Val435Met (NM_016418.5, NM_181825.3, NM_181832.3); c.1177G>A, p.Val393Met (NM_181828.3); c.1180G>A, p.Val394Met (NM_181829.3); c.1054G>A, p.Val352Met (NM_181830.3, NM_181831.3); c.448-21303G>A (NM_181833.3); short protein forms V352M, V393M, V394M, V435M.
Identifiers: ClinVar variation 818855 (VCV000818855.10), dbSNP rs772334382, ClinGen allele CA411148595.
Genomic context (GRCh38, chr22:29,673,449, plus strand): 5'-ACAGCGATTCGCACGGAGGAGGAGAAGCGCCTGATGGAGCAGAAGGTGCTGGAAGCCGAG[G>A]TGCTGGCACTGAAGATGGCTGAGGAGTCAGAGAGGAGGTGAGGGGGCACCGGGCACCAGA-3'
Protein context (NP_000259.1, residues 425-445): LMEQKVLEAE[Val435Met]LALKMAEESE